The following is an entry in ClinVar:

NM_001457.4(FLNB):c.7060G>A (p.Val2354Ile)

Genes: FLNB (filamin B; plus strand), FLNB-AS1 (FLNB antisense RNA 1; minus strand). Cytogenetic location: 3p14.3.
Variant type: single nucleotide variant.
Coding change: c.7060G>A on transcript NM_001457.4 (MANE Select); coding-DNA position 7060, G replaced by A.
Protein change: p.Val2354Ile; replaces valine 2354 with isoleucine.
Molecular consequence: missense variant. On other transcripts: non-coding transcript variant (1).
Genome position (GRCh38, 1-based): chr3:58,163,192, G>A. VCF-style: chr3-58163192-G-A. GRCh37 (hg19) VCF-style: chr3-58148919-G-A.
Other names: c.7153G>A, p.Val2385Ile (NM_001164317.2); c.7027G>A, p.Val2343Ile (NM_001164318.2); c.6988G>A, p.Val2330Ile (NM_001164319.2); short protein forms V2343I, V2385I, V2330I, V2354I.
Identifiers: ClinVar variation 2796316 (VCV002796316.3), dbSNP rs2471254160, ClinGen allele CA353364388.

ClinVar aggregate classification (germline): Uncertain significance (1 of 4 stars; one submission).

Allele frequency attached by ClinVar (database versions not stated): gnomAD exomes below 0.00001.
gnomAD v4.1: 2 of 1,614,202 alleles (0.00012%); highest among the groups gnomAD compares: Non-Finnish European, 0.000085%; no homozygotes.

Submission:

Labcorp Genetics (formerly Invitae), Labcorp
Classification: Uncertain significance. Last evaluated: 2023-05-19. Review status: criteria provided, single submitter. Criteria: Invitae Variant Classification Sherloc (09022015). Collection method: clinical testing. Allele origin: germline.
Comment: Advanced modeling of protein sequence and biophysical properties (such as structural, functional, and spatial information, amino acid conservation, physicochemical variation, residue mobility, and thermodynamic stability) performed at Invitae indicates that this missense variant is not expected to disrupt FLNB protein function. This variant has not been reported in the literature in individuals affected with FLNB-related conditions. This variant is not present in population databases (gnomAD no frequency). This sequence change replaces valine, which is neutral and non-polar, with isoleucine, which is neutral and non-polar, at codon 2354 of the FLNB protein (p.Val2354Ile). In summary, the available evidence is currently insufficient to determine the role of this variant in disease. Therefore, it has been classified as a Variant of Uncertain Significance.